The following is an entry in ClinVar:

ClinVar aggregate classification (germline): Uncertain significance. Review status: criteria provided, multiple submitters, no conflicts (2 of 4 stars). 2 submissions from 2 submitters: Uncertain significance (2). Last evaluated 2025-09-23.

Conditions:
Long QT syndrome (LQTS). Identifiers: MedGen C0023976, MeSH D008133, MONDO:0002442. Disease mechanism: loss of function. Inheritance: Various modes of inheritance.

Submissions (2):

Labcorp Genetics (formerly Invitae), Labcorp
Classification: Uncertain significance for Long QT syndrome. Last evaluated: 2025-09-23. Review status: criteria provided, single submitter. Criteria: Invitae Variant Classification Sherloc (09022015). Collection method: clinical testing. Allele origin: germline.
Comment: This sequence change replaces glycine, which is neutral and non-polar, with arginine, which is basic and polar, at codon 3892 of the ANK2 protein (p.Gly3892Arg). Information on the frequency of this variant in the gnomAD database is not available, as this variant may be reported differently in the database. This variant has not been reported in the literature in individuals affected with ANK2-related conditions. ClinVar contains an entry for this variant (Variation ID: 406478). An algorithm developed to predict the effect of missense changes on protein structure and function outputs the following: PolyPhen-2: "Not Available". The arginine amino acid residue is found in multiple mammalian species, which suggests that this missense change does not adversely affect protein function. In summary, the available evidence is currently insufficient to determine the role of this variant in disease. Therefore, it has been classified as a Variant of Uncertain Significance.

Mayo Clinic Laboratories, Mayo Clinic
Classification: Uncertain significance. Last evaluated: 2021-12-06. Review status: criteria provided, single submitter. Criteria: ACMG Guidelines, 2015. Collection method: clinical testing. Allele origin: germline.

NM_001148.6(ANK2):c.11673_11674inv (p.Gly3892Arg)

Gene: ANK2 (ankyrin 2; plus strand). Cytogenetic location: 4q26.
Variant type: Inversion.
Coding change: c.11673_11674inv on transcript NM_001148.6 (MANE Select).
Protein change: p.Gly3892Arg; replaces glycine 3892 with arginine.
Molecular consequence: missense variant. On other transcripts: intron variant (1).
Genome position: GRCh38 VCF-style: chr4-113373152-TG-CA. GRCh37 (hg19) VCF-style: chr4-114294308-TG-CA.
Other names: p.Gly3892Arg; c.5415_5416inv, p.Gly1806Arg (NM_001354246.2, NM_001354265.2); c.5232_5233inv, p.Gly1745Arg (NM_001354249.2, NM_001354266.2, NM_001354267.2 and 2 more transcripts); c.5388_5389inv, p.Gly1797Arg (NM_001354252.2); c.5193_5194inv, p.Gly1732Arg (NM_001354253.2, NM_001354270.2); c.5367_5368inv, p.Gly1790Arg (NM_001354254.2); c.5355_5356inv, p.Gly1786Arg (NM_001354255.2); c.5352_5353inv, p.Gly1785Arg (NM_001354256.2, NM_001386161.1); and 45 more; short protein forms G1753R, G1797R, G1805R, G1817R, G1822R, G1850R, G1679R, G1732R.
Identifiers: ClinVar variation 406478 (VCV000406478.9), ClinGen allele CA16611414.